The following is an entry in ClinVar:

ClinVar aggregate classification (germline): Uncertain significance (1 of 4 stars; one submission).

Submission:

Labcorp Genetics (formerly Invitae), Labcorp
Classification: Uncertain significance. Last evaluated: 2022-11-01. Review status: criteria provided, single submitter. Criteria: Invitae Variant Classification Sherloc (09022015). Collection method: clinical testing. Allele origin: germline.
Comment: This sequence change replaces alanine, which is neutral and non-polar, with valine, which is neutral and non-polar, at codon 147 of the GPR179 protein (p.Ala147Val). This variant is not present in population databases (gnomAD no frequency). This variant has not been reported in the literature in individuals affected with GPR179-related conditions. ClinVar contains an entry for this variant (Variation ID: 1365688). Algorithms developed to predict the effect of missense changes on protein structure and function output the following: SIFT: "Tolerated"; PolyPhen-2: "Benign"; Align-GVGD: "Class C0". The valine amino acid residue is found in multiple mammalian species, which suggests that this missense change does not adversely affect protein function. In summary, the available evidence is currently insufficient to determine the role of this variant in disease. Therefore, it has been classified as a Variant of Uncertain Significance.

NM_001004334.4(GPR179):c.440C>T (p.Ala147Val)

Gene: GPR179 (G protein-coupled receptor 179; minus strand). Cytogenetic location: 17q12.
Variant type: single nucleotide variant.
Coding change: c.440C>T on transcript NM_001004334.4 (MANE Select); coding-DNA position 440, C replaced by T.
Protein change: p.Ala147Val; replaces alanine 147 with valine.
Molecular consequence: missense variant.
Genome position (GRCh38, 1-based): chr17:38,343,350, G>A on the plus strand (C>T on the coding strand, the complement: GPR179 is on the minus strand). VCF-style: chr17-38343350-G-A. GRCh37 (hg19) VCF-style: chr17-36499233-G-A.
Other names: short protein forms A147V.
Identifiers: ClinVar variation 1365688 (VCV001365688.8), dbSNP rs2144282757, ClinGen allele CA398889216.